The following is an entry in ClinVar:

NM_004086.3(COCH):c.1027G>A (p.Val343Ile)

Genes: COCH (cochlin; plus strand), COCH-AS1 (COCH antisense RNA 1; minus strand). Cytogenetic location: 14q12.
Variant type: single nucleotide variant.
Coding change: c.1027G>A on transcript NM_004086.3 (MANE Select); coding-DNA position 1027, G replaced by A.
Protein change: p.Val343Ile; replaces valine 343 with isoleucine.
Molecular consequence: missense variant. On other transcripts: non-coding transcript variant (1).
Genome position (GRCh38, 1-based): chr14:30,885,862, G>A. VCF-style: chr14-30885862-G-A. GRCh37 (hg19) VCF-style: chr14-31355068-G-A.
Other names: c.1027G>A, p.Val343Ile (NM_001135058.2); c.1222G>A, p.Val408Ile (NM_001347720.2); short protein forms V408I, V343I.
Identifiers: ClinVar variation 1475106 (VCV001475106.6), dbSNP rs544358450, ClinGen allele CA7143253.

ClinVar aggregate classification (germline): Uncertain significance (1 of 4 stars; one submission).

Allele frequency attached by ClinVar (database versions not stated): ExAC 0.00001; gnomAD 0.00001 and 0.00002; gnomAD exomes 0.00002; TOPMed 0.00002; 1000 Genomes Project 30x 0.00016; 1000 Genomes Project 0.00020.
gnomAD v4.1: 48 of 1,614,100 alleles (0.003%); highest among the groups gnomAD compares: Middle Eastern, 0.016%; no homozygotes.

Submission:

Labcorp Genetics (formerly Invitae), Labcorp
Classification: Uncertain significance. Last evaluated: 2025-07-10. Review status: criteria provided, single submitter. Criteria: Invitae Variant Classification Sherloc (09022015). Collection method: clinical testing. Allele origin: germline.
Comment: This sequence change replaces valine, which is neutral and non-polar, with isoleucine, which is neutral and non-polar, at codon 343 of the COCH protein (p.Val343Ile). This variant is present in population databases (rs544358450, gnomAD 0.006%). This variant has not been reported in the literature in individuals affected with COCH-related conditions. ClinVar contains an entry for this variant (Variation ID: 1475106). Invitae Evidence Modeling of protein sequence and biophysical properties (such as structural, functional, and spatial information, amino acid conservation, physicochemical variation, residue mobility, and thermodynamic stability) indicates that this missense variant is not expected to disrupt COCH protein function with a negative predictive value of 95%. In summary, the available evidence is currently insufficient to determine the role of this variant in disease. Therefore, it has been classified as a Variant of Uncertain Significance.